The following is an entry in ClinVar:

ClinVar aggregate classification (germline): Pathogenic. Review status: criteria provided, multiple submitters, no conflicts (2 of 4 stars). 4 submissions from 4 submitters: Pathogenic (4). Last evaluated 2026-09-12.

Conditions:
Cholestasis, progressive familial intrahepatic, 12 (PFIC12). Also called: CHOLESTASIS, ISOLATED LOW-GGT. Identifiers: MedGen C5774311, MONDO:0031040, OMIM 620010.
Arthrogryposis, renal dysfunction, and cholestasis 1 (ARCS1). Identifiers: Orphanet 2697, MedGen C1859722, MONDO:0008822, OMIM 208085.
Keratoderma-ichthyosis-deafness syndrome, autosomal recessive (KDIDAR). Identifiers: MedGen C5774200, MONDO:0859278, OMIM 620009.
VPS33B-related disorder. Also called: VPS33B-related condition.

Submissions (4):

PreventionGenetics, part of Exact Sciences
Classification: Pathogenic for VPS33B-related condition. Last evaluated: 2026-09-12. Review status: criteria provided, single submitter. Criteria: ACMG Guidelines, 2015. Collection method: clinical testing. Allele origin: germline.
Comment: The VPS33B c.1235_1236delinsG variant is predicted to result in a frameshift and premature protein termination (p.Pro412Argfs*7). This variant has been reported in the homozygous or compound heterozygous state in multiple unrelated individuals with arthrogryposis, renal dysfunction and cholestasis (ARC) (Cullinane et al. 2009. PubMed ID: 18853461; Bem et al. 2015. PubMed ID: 25947942; Adamczyk-Gruszka et al. 2021. PubMed ID: 34531360). This variant has not been reported in a large population database (gnomAD), indicating this variant is rare. Frameshift variants in VPS33B are expected to be pathogenic. This variant is interpreted as pathogenic.

Labcorp Genetics (formerly Invitae), Labcorp
Classification: Pathogenic. Last evaluated: 2025-08-18. Review status: criteria provided, single submitter. Criteria: Invitae Variant Classification Sherloc (09022015). Collection method: clinical testing. Allele origin: germline.
Comment: This sequence change creates a premature translational stop signal (p.Pro412Argfs*7) in the VPS33B gene. It is expected to result in an absent or disrupted protein product. Loss-of-function variants in VPS33B are known to be pathogenic (PMID: 15052268, 16896922). Information on the frequency of this variant in the gnomAD database is not available, as this variant may be reported differently in the database. This premature translational stop signal has been observed in individual(s) with arthrogryposis, renal dysfunction, and cholestasis syndrome (PMID: 18853461). For these reasons, this variant has been classified as Pathogenic.

CeGaT Center for Human Genetics Tuebingen
Classification: Pathogenic. Last evaluated: 2025-02-01. Review status: criteria provided, single submitter. Criteria: CeGaT Center For Human Genetics Tuebingen Variant Classification Criteria Version 2. Collection method: clinical testing. Allele origin: germline. Affected: yes. Observed: 1 variant allele.
Comment: VPS33B: PVS1, PM2

Fulgent Genetics
Classification: Pathogenic for Arthrogryposis, renal dysfunction, and cholestasis 1; Keratoderma-ichthyosis-deafness syndrome, autosomal recessive; Cholestasis, progressive familial intrahepatic, 12. Last evaluated: 2024-03-14. Review status: criteria provided, single submitter. Criteria: ACMG Guidelines, 2015. Collection method: clinical testing. Allele origin: germline.

Literature cited by the submitters: PubMed 15052268 (cited by Labcorp Genetics (formerly Invitae), Labcorp); PubMed 16896922 (cited by Labcorp Genetics (formerly Invitae), Labcorp); PubMed 18853461 (cited by Labcorp Genetics (formerly Invitae), Labcorp).

NM_018668.5(VPS33B):c.1235_1236delinsG (p.Pro412fs)

Gene: VPS33B (VPS33B late endosome and lysosome associated; minus strand). Cytogenetic location: 15q26.1.
Variant type: Indel.
Coding change: c.1235_1236delinsG on transcript NM_018668.5 (MANE Select); coding-DNA positions 1235 to 1236, CC replaced by G.
Protein change: p.Pro412fs; shifts the reading frame from proline 412.
Molecular consequence: frameshift variant.
Genome position (GRCh38, 1-based): chr15:91,003,121-91,003,122, GG replaced by C on the plus strand (CC replaced by G on the coding strand, the reverse complement: VPS33B is on the minus strand). VCF-style: chr15-91003121-GG-C. GRCh37 (hg19) VCF-style: chr15-91546351-GG-C.
Other names: c.1235_1236delinsG (NM_018668.4); c.1154_1155delinsG, p.Pro385fs (NM_001289148.1); c.962_963delinsG, p.Pro321fs (NM_001289149.1); short protein forms P321fs, P412fs, P385fs.
Identifiers: ClinVar variation 3578187 (VCV003578187.17).